The following is an entry in ClinVar:

NM_005732.4(RAD50):c.2465A>C (p.Asp822Ala)

Gene: RAD50 (RAD50 double strand break repair protein; plus strand). Cytogenetic location: 5q31.1.
Variant type: single nucleotide variant.
Coding change: c.2465A>C on transcript NM_005732.4 (MANE Select); coding-DNA position 2465, A replaced by C.
Protein change: p.Asp822Ala; replaces aspartic acid 822 with alanine.
Molecular consequence: missense variant.
Genome position (GRCh38, 1-based): chr5:132,603,987, A>C. VCF-style: chr5-132603987-A-C. GRCh37 (hg19) VCF-style: chr5-131939679-A-C.
Other names: short protein forms D822A.
Identifiers: ClinVar variation 5027747 (VCV005027747.1).

ClinVar aggregate classification (germline): Uncertain significance (1 of 4 stars; one submission).

Conditions:
Hereditary cancer-predisposing syndrome. Also called: Neoplastic Syndromes, Hereditary; Tumor predisposition; Hereditary neoplastic syndrome; Hereditary Cancer Syndrome. Identifiers: Orphanet 140162, MedGen C0027672, MeSH D009386, MONDO:0015356.

Submission:

Ambry Genetics
Classification: Uncertain significance for Hereditary cancer-predisposing syndrome. Last evaluated: 2026-09-11. Review status: criteria provided, single submitter. Criteria: Ambry Variant Classification Scheme 2023. Collection method: clinical testing. Allele origin: germline.
Comment: The p.D822A variant (also known as c.2465A>C), located in coding exon 15 of the RAD50 gene, results from an A to C substitution at nucleotide position 2465. The aspartic acid at codon 822 is replaced by alanine, an amino acid with dissimilar properties. This amino acid position is conserved. In addition, this alteration is predicted to be tolerated by in silico analysis. Based on the available evidence, the clinical significance of this variant remains unclear.